The following is an entry in ClinVar:

NM_000202.8(IDS):c.776_779del (p.Leu259fs)

Genes: IDS (iduronate 2-sulfatase; minus strand), LOC106050102 (IDS recombination region; plus strand). Cytogenetic location: Xq28.
Variant type: Deletion.
Coding change: c.776_779del on transcript NM_000202.8 (MANE Select); coding-DNA positions 776 to 779, 4 bases deleted (TACC; older notation c.776_779delTACC).
Protein change: p.Leu259fs; shifts the reading frame from leucine 259.
Molecular consequence: frameshift variant. On other transcripts: non-coding transcript variant (1).
Genome position (GRCh38, 1-based): chrX:149,496,446-149,496,449, GGTA deleted on the plus strand (TACC on the coding strand, the reverse complement: IDS is on the minus strand); deleting any 4 consecutive bases within chrX:149,496,446-149,496,451 gives the same sequence; the c. name uses the placement nearest the transcript's 3' end. VCF-style (leftmost placement, unchanged base first): chrX-149496445-GGGTA-G. GRCh37 (hg19) VCF-style: chrX-148577976-GGGTA-G.
Other names: c.506_509del, p.Leu169fs (NM_001166550.4); c.776_779del, p.Leu259fs (NM_006123.5); short protein forms L169fs, L259fs.
Identifiers: ClinVar variation 3255835 (VCV003255835.2).

ClinVar aggregate classification (germline): Pathogenic (1 of 4 stars; one submission).

Conditions:
Mucopolysaccharidosis, MPS-II (MPS2). Also called: Hunter Syndrome; IDURONATE 2-SULFATASE DEFICIENCY; Mucopolysaccharidosis Type II; Mucopolysaccharidosis type 2; Attenuated MPS (subtype; formerly known as mild MPS II); Severe MPS II. Identifiers: Orphanet 580, Orphanet 79388, MedGen C0026705, MONDO:0010674, OMIM 309900.

Submission:

Laboratory of Diagnosis and Therapy of Lysosomal Disorders, University of Padova
Classification: Pathogenic for Mucopolysaccharidosis, MPS-II. Last evaluated: 2024-06-07. Review status: criteria provided, single submitter. Criteria: ACMG Guidelines, 2015. Collection method: literature only. Allele origin: germline. Affected: yes. Observed: 1 variant allele.
Comment: Null variant (PVS1_VeryStrong), Absent from controls (or at low frequency) in gnomAD database (PM2_Moderate), Patient’s phenotype or family history highly specific for the disease (PP4_Moderate)

Classification method: ACMG Guidelines [PMID:25741868] with modifications

Literature cited by the submitters: PubMed 33674846.